The following is an entry in ClinVar:

ClinVar aggregate classification (germline): Benign/Likely benign. Review status: criteria provided, multiple submitters, no conflicts (2 of 4 stars). 10 submissions from 10 submitters: Benign (3); Likely benign (5). 2 of the submissions do not count toward it. Last evaluated 2026-02-02.

Conditions:
PHYH-related disorder. Also called: PHYH-related condition.
Refsum disease, classic. Also called: PHYH-Related Refsum Disease; HEREDOPATHIA ATACTICA POLYNEURITIFORMIS; HMSN IV; PHYTANIC ACID OXIDASE DEFICIENCY. Identifiers: Orphanet 773, MedGen C5780941, MONDO:1060256, OMIM 266500. Disease mechanism: loss of function.

Allele frequency attached by ClinVar (database versions not stated): 1000 Genomes Project 30x 0.00172; 1000 Genomes Project 0.00200; TOPMed 0.00281; gnomAD 0.00354 and 0.00371; ESP Exome Variant Server 0.00361; gnomAD exomes 0.00364 and 0.00507; ExAC 0.00366.
gnomAD v4.1: 7,721 of 1,598,434 alleles (0.48%); highest among the groups gnomAD compares: Non-Finnish European, 0.58%; 31 homozygotes.

Submissions (16):

Labcorp Genetics (formerly Invitae), Labcorp
Classification: Benign. Last evaluated: 2026-02-02. Review status: criteria provided, single submitter. Criteria: Invitae Variant Classification Sherloc (09022015). Collection method: clinical testing. Allele origin: germline.

CeGaT Center for Human Genetics Tuebingen
Classification: Likely benign. Last evaluated: 2023-01-01. Review status: criteria provided, single submitter. Criteria: CeGaT Center For Human Genetics Tuebingen Variant Classification Criteria Version 2. Collection method: clinical testing. Allele origin: germline. Affected: yes. Observed: 2 variant alleles.
Comment: PHYH: BP4, BP7, BS2

Fulgent Genetics
Classification: Likely benign for Refsum disease, classic. Last evaluated: 2021-07-13. Review status: criteria provided, single submitter. Criteria: ACMG Guidelines, 2015. Collection method: clinical testing. Allele origin: unknown.

Mayo Clinic Laboratories, Mayo Clinic
Classification: Benign. Last evaluated: 2020-05-21. Review status: criteria provided, single submitter. Criteria: ACMG Guidelines, 2015. Collection method: clinical testing. Allele origin: germline. Observed: 21 variant alleles.

GeneDx
Classification: Benign. Last evaluated: 2020-03-23. Review status: criteria provided, single submitter. Criteria: GeneDx Variant Classification Process June 2021. Collection method: clinical testing. Allele origin: germline. Affected: yes.

Illumina Laboratory Services, Illumina
Classification: Likely benign for Refsum disease, classic. Last evaluated: 2018-01-12. Review status: criteria provided, single submitter. Criteria: ICSL Variant Classification Criteria 13 December 2019. Collection method: clinical testing. Allele origin: germline.
Comment: This variant was observed in the ICSL laboratory as part of a predisposition screen in an ostensibly healthy population. It had not been previously curated by ICSL or reported in the Human Gene Mutation Database (HGMD: prior to June 1st, 2018), and was therefore a candidate for classification through an automated scoring system. Utilizing variant allele frequency, disease prevalence and penetrance estimates, and inheritance mode, an automated score was calculated to assess if this variant is too frequent to cause the disease. Based on the score and internal cut-off values, a variant classified as likely benign is not then subjected to further curation. The score for this variant resulted in a classification of likely benign for this disease.

Clinical Genetics DNA and cytogenetics Diagnostics Lab, Erasmus MC, Erasmus Medical Center
Classification: Likely benign for Refsum disease, classic. Last evaluated: 2017-06-28. Review status: criteria provided, single submitter. Criteria: ACGS Guidelines, 2013. Collection method: clinical testing. Allele origin: germline. Affected: yes. Study: VKGL Data-share Consensus.

Breakthrough Genomics
Classification: Likely benign. Review status: criteria provided, single submitter. Criteria: ACMG Guidelines, 2015. Collection method: not provided. Allele origin: germline. Inheritance: Autosomal recessive inheritance. Affected: yes.

PreventionGenetics, part of Exact Sciences
Classification: Benign for PHYH-related condition. Last evaluated: 2019-06-21. Review status: no assertion criteria provided. Collection method: clinical testing. Allele origin: germline. Not counted in ClinVar's aggregate classification.
Comment: This variant is classified as benign based on ACMG/AMP sequence variant interpretation guidelines (Richards et al. 2015 PMID: 25741868, with internal and published modifications).

Clinical Genetics, Academic Medical Center
Classification: Likely benign. Review status: no assertion criteria provided. Collection method: clinical testing. Allele origin: germline. Affected: yes. Study: VKGL Data-share Consensus. Not counted in ClinVar's aggregate classification.

Dr. Peter K. Rogan Lab, Western University
No classification provided (evidence only). Condition: Clear cell carcinoma of kidney. Review status: no classification provided. Collection method: in vitro. Allele origin: not applicable. Functional consequence: retained intron. Not counted in ClinVar's aggregate classification.

Dr. Peter K. Rogan Lab, Western University
No classification provided (evidence only). Condition: Thyroid cancer, nonmedullary, 1. Review status: no classification provided. Collection method: in vitro. Allele origin: not applicable. Functional consequence: retained intron. Not counted in ClinVar's aggregate classification.

Dr. Peter K. Rogan Lab, Western University
No classification provided (evidence only). Condition: Thyroid cancer, nonmedullary, 1. Review status: no classification provided. Collection method: in vitro. Allele origin: not applicable. Functional consequence: retained intron. Not counted in ClinVar's aggregate classification.

Dr. Peter K. Rogan Lab, Western University
No classification provided (evidence only). Condition: Thyroid cancer, nonmedullary, 1. Review status: no classification provided. Collection method: in vitro. Allele origin: not applicable. Functional consequence: retained intron. Not counted in ClinVar's aggregate classification.

Dr. Peter K. Rogan Lab, Western University
No classification provided (evidence only). Condition: Sarcoma. Review status: no classification provided. Collection method: in vitro. Allele origin: not applicable. Functional consequence: retained intron. Not counted in ClinVar's aggregate classification.

Dr. Peter K. Rogan Lab, Western University
No classification provided (evidence only). Condition: Ovarian serous cystadenocarcinoma. Review status: no classification provided. Collection method: in vitro. Allele origin: not applicable. Functional consequence: retained intron. Not counted in ClinVar's aggregate classification.

NM_006214.4(PHYH):c.126A>G (p.Gln42=)

Gene: PHYH (phytanoyl-CoA 2-hydroxylase; minus strand). Cytogenetic location: 10p13.
Variant type: single nucleotide variant.
Coding change: c.126A>G on transcript NM_006214.4 (MANE Select); coding-DNA position 126, A replaced by G.
Protein change: p.Gln42=; no amino-acid change (glutamine 42 retained).
Molecular consequence: synonymous variant. On other transcripts: 5 prime UTR variant (1), intron variant (2).
Genome position (GRCh38, 1-based): chr10:13,298,195, T>C on the plus strand (A>G on the coding strand, the complement: PHYH is on the minus strand). VCF-style: chr10-13298195-T-C. GRCh37 (hg19) VCF-style: chr10-13340195-T-C.
Other names: p.Gln42=; c.-175A>G (NM_001323080.2); c.126A>G, p.Gln42= (NM_001323082.2, NM_001323083.2); c.-167+1225A>G (NM_001037537.2, NM_001323084.2).
Identifiers: ClinVar variation 299260 (VCV000299260.55), dbSNP rs150631501, ClinGen allele CA5412483.